The following is an entry in ClinVar:

NM_020964.3(EPG5):c.1948A>G (p.Thr650Ala)

Gene: EPG5 (ectopic P-granules 5 autophagy tethering factor; minus strand). Cytogenetic location: 18q21.1.
Variant type: single nucleotide variant.
Coding change: c.1948A>G on transcript NM_020964.3 (MANE Select); coding-DNA position 1948, A replaced by G.
Protein change: p.Thr650Ala; replaces threonine 650 with alanine.
Molecular consequence: missense variant.
Genome position (GRCh38, 1-based): chr18:45,939,751, T>C on the plus strand (A>G on the coding strand, the complement: EPG5 is on the minus strand). VCF-style: chr18-45939751-T-C. GRCh37 (hg19) VCF-style: chr18-43519717-T-C.
Other names: short protein forms T650A.
Identifiers: ClinVar variation 949117 (VCV000949117.10), dbSNP rs371884344, ClinGen allele CA8949548.
Genomic context (GRCh38, chr18:45,939,751, plus strand): 5'-ATCCTGAGCCTTGGTTATGGCTCACATACTGTGCCCAATGGTCACTTACATAACCAAGAG[T>C]CATCCTGAGCATGAGGAAAGATAATACAGTACTTTTCATTAGCTCAATATCTGCACCTTT-3'
Protein context (NP_066015.2, residues 640-660): VKRIGYMIRM[Thr650Ala]LGYVSDHWAQ

ClinVar aggregate classification (germline): Uncertain significance. Review status: criteria provided, multiple submitters, no conflicts (2 of 4 stars). 3 submissions from 3 submitters: Uncertain significance (3). Last evaluated 2024-12-26.

Conditions:
Vici syndrome (VICIS). Identifiers: Orphanet 1493, MedGen C1855772, MONDO:0009452, OMIM 242840.
Inborn genetic diseases. Identifiers: MedGen C0950123, MeSH D030342.

Allele frequency attached by ClinVar (database versions not stated): gnomAD 0.00006; TOPMed 0.00007; gnomAD exomes 0.00004; ESP Exome Variant Server 0.00017; ExAC 0.00004.
gnomAD v4.1: 192 of 1,613,040 alleles (0.012%); highest among the groups gnomAD compares: Non-Finnish European, 0.016%; no homozygotes.

Submissions (3):

Dasa
Classification: Uncertain significance. Last evaluated: 2024-12-26. Review status: criteria provided, single submitter. Criteria: DASA Assertion Criteria. Collection method: clinical testing. Allele origin: germline.
Comment: NM_020964.3(EPG5):c.1948A>G (p.Thr650Ala) is a missense variant that results in the substitution of threonine with alanine. This variant is rare in population databases. Computational prediction algorithms are consistent with a benign effect. The currently available literature and clinical evidence are not sufficient to establish a definitive association between this variant and the reported condition. Therefore, this variant is classified as a variant of uncertain significance.

Ambry Genetics
Classification: Uncertain significance for Inborn genetic diseases. Last evaluated: 2022-12-06. Review status: criteria provided, single submitter. Criteria: Ambry Variant Classification Scheme 2023. Collection method: clinical testing. Allele origin: germline.

Labcorp Genetics (formerly Invitae), Labcorp
Classification: Uncertain significance for Vici syndrome. Last evaluated: 2022-06-19. Review status: criteria provided, single submitter. Criteria: Invitae Variant Classification Sherloc (09022015). Collection method: clinical testing. Allele origin: germline.
Comment: This sequence change replaces threonine, which is neutral and polar, with alanine, which is neutral and non-polar, at codon 650 of the EPG5 protein (p.Thr650Ala). This variant is present in population databases (rs371884344, gnomAD 0.007%). This variant has not been reported in the literature in individuals affected with EPG5-related conditions. ClinVar contains an entry for this variant (Variation ID: 949117). Algorithms developed to predict the effect of missense changes on protein structure and function are either unavailable or do not agree on the potential impact of this missense change (SIFT: "Deleterious"; PolyPhen-2: "Probably Damaging"; Align-GVGD: "Class C0"). In summary, the available evidence is currently insufficient to determine the role of this variant in disease. Therefore, it has been classified as a Variant of Uncertain Significance.